The following is an entry in ClinVar:

NM_001875.5(CPS1):c.549T>G (p.Ile183Met)

Gene: CPS1 (carbamoyl-phosphate synthase 1; plus strand). Cytogenetic location: 2q34.
Variant type: single nucleotide variant.
Coding change: c.549T>G on transcript NM_001875.5 (MANE Select); coding-DNA position 549, T replaced by G.
Protein change: p.Ile183Met; replaces isoleucine 183 with methionine.
Molecular consequence: missense variant. On other transcripts: non-coding transcript variant (1).
Genome position (GRCh38, 1-based): chr2:210,582,637, T>G. VCF-style: chr2-210582637-T-G. GRCh37 (hg19) VCF-style: chr2-211447361-T-G.
Other names: c.549T>G, p.Ile183Met (NM_001122633.3, NM_001369257.1); c.582T>G, p.Ile194Met (NM_001369256.1); short protein forms I194M, I183M.
Identifiers: ClinVar variation 1947289 (VCV001947289.5), dbSNP rs1255749035, ClinGen allele CA350427265.

ClinVar aggregate classification (germline): Uncertain significance (1 of 4 stars; one submission).

Conditions:
Congenital hyperammonemia, type I. Also called: Carbamoyl-phosphate synthase I deficiency; CPS I DEFICIENCY; Carbamoyl phosphate synthetase I deficiency disease; Carbamoyl phosphate synthetase 1 deficiency; Hyperammonemia due to carbamoyl phosphate synthetase 1 deficiency; CPS 1 deficiency. Identifiers: Orphanet 147, MedGen C4082171, MONDO:0009376, OMIM 237300.

gnomAD v4.1: 1 of 1,613,228 alleles (0.000062%); highest among the groups gnomAD compares: Admixed American, 0.0017%; no homozygotes.

Submission:

Labcorp Genetics (formerly Invitae), Labcorp
Classification: Uncertain significance for Congenital hyperammonemia, type I. Last evaluated: 2022-06-20. Review status: criteria provided, single submitter. Criteria: Invitae Variant Classification Sherloc (09022015). Collection method: clinical testing. Allele origin: germline.
Comment: This variant has not been reported in the literature in individuals affected with CPS1-related conditions. Algorithms developed to predict the effect of missense changes on protein structure and function are either unavailable or do not agree on the potential impact of this missense change (SIFT: "Deleterious"; PolyPhen-2: "Probably Damaging"; Align-GVGD: "Class C0"). In summary, the available evidence is currently insufficient to determine the role of this variant in disease. Therefore, it has been classified as a Variant of Uncertain Significance. This variant is present in population databases (no rsID available, gnomAD 0.003%). This sequence change replaces isoleucine, which is neutral and non-polar, with methionine, which is neutral and non-polar, at codon 183 of the CPS1 protein (p.Ile183Met).